The following is an entry in ClinVar:

NM_015102.5(NPHP4):c.811-2A>G

Gene: NPHP4 (nephrocystin 4; minus strand). Cytogenetic location: 1p36.31.
Variant type: single nucleotide variant.
Coding change: c.811-2A>G on transcript NM_015102.5 (MANE Select); the canonical splice acceptor site of the intron before coding-DNA position 811, A replaced by G.
Molecular consequence: splice acceptor variant.
Genome position (GRCh38, 1-based): chr1:5,948,253, T>C on the plus strand (A>G on the coding strand, the complement: NPHP4 is on the minus strand). VCF-style: chr1-5948253-T-C. GRCh37 (hg19) VCF-style: chr1-6008313-T-C.
Other names: c.-556-2A>G (NM_001291594.2, NM_001291593.2).
Identifiers: ClinVar variation 3731522 (VCV003731522.1).

ClinVar aggregate classification (germline): Likely pathogenic (1 of 4 stars; one submission).

Conditions:
Nephronophthisis 4 (NPHP4). Also called: NEPHRONOPHTHISIS 4, JUVENILE. Identifiers: Orphanet 655, MedGen C1847013, MONDO:0011752, OMIM 606966.

gnomAD v4.1: 1 of 1,555,324 alleles (0.000064%); highest among the groups gnomAD compares: East Asian, 0.0024%; no homozygotes.

Submission:

Neuberg Centre For Genomic Medicine, NCGM
Classification: Likely pathogenic for Nephronophthisis 4. Last evaluated: 2023-06-22. Review status: criteria provided, single submitter. Criteria: ACMG Guidelines, 2015. Collection method: clinical testing. Allele origin: germline. Inheritance: Autosomal recessive inheritance. Affected: yes.
Comment: The observed splice acceptor variant c.811-2A>G in NPHP4 gene has not been reported previously as a pathogenic variant nor as a benign variant, to our knowledge. This variant is reported with 0.003% allele frequency in gnomAD Exomes. This variant is predicted to cause loss of normal protein function through protein truncation. Loss of function variants have been previously reported to be disease causing (Halbritter J, et al., 2013). For these reasons, this variant has been classified as Likely Pathogenic.